The following is an entry in ClinVar:

ClinVar aggregate classification (germline): Uncertain significance (1 of 4 stars; one submission).

Conditions:
Cardiovascular phenotype. Identifiers: MedGen CN230736.

Submission:

Ambry Genetics
Classification: Uncertain significance for Cardiovascular phenotype. Last evaluated: 2025-11-25. Review status: criteria provided, single submitter. Criteria: Ambry Variant Classification Scheme 2023. Collection method: clinical testing. Allele origin: germline.
Comment: The p.W192R variant (also known as c.574T>A), located in coding exon 6 of the ANKRD1 gene, results from a T to A substitution at nucleotide position 574. The tryptophan at codon 192 is replaced by arginine, an amino acid with dissimilar properties. This amino acid position is conserved. In addition, this alteration is predicted to be deleterious by in silico analysis. Based on the available evidence, the clinical significance of this variant remains unclear.

NM_014391.3(ANKRD1):c.574T>A (p.Trp192Arg)

Gene: ANKRD1 (ankyrin repeat domain 1; minus strand). Cytogenetic location: 10q23.31.
Variant type: single nucleotide variant.
Coding change: c.574T>A on transcript NM_014391.3 (MANE Select); coding-DNA position 574, T replaced by A.
Protein change: p.Trp192Arg; replaces tryptophan 192 with arginine.
Molecular consequence: missense variant.
Genome position (GRCh38, 1-based): chr10:90,916,248, A>T on the plus strand (T>A on the coding strand, the complement: ANKRD1 is on the minus strand). VCF-style: chr10-90916248-A-T. GRCh37 (hg19) VCF-style: chr10-92676005-A-T.
Other names: short protein forms W192R.
Identifiers: ClinVar variation 4613616 (VCV004613616.1).